The following is an entry in ClinVar:

NM_000744.7(CHRNA4):c.939C>T (p.Thr313=)

Gene: CHRNA4 (cholinergic receptor nicotinic alpha 4 subunit; minus strand). Cytogenetic location: 20q13.33.
Variant type: single nucleotide variant.
Coding change: c.939C>T on transcript NM_000744.7 (MANE Select); coding-DNA position 939, C replaced by T.
Protein change: p.Thr313=; no amino-acid change (threonine 313 retained).
Molecular consequence: synonymous variant. On other transcripts: non-coding transcript variant (1).
Genome position (GRCh38, 1-based): chr20:63,350,472, G>A on the plus strand (C>T on the coding strand, the complement: CHRNA4 is on the minus strand). VCF-style: chr20-63350472-G-A. GRCh37 (hg19) VCF-style: chr20-61981824-G-A.
Other names: c.411C>T, p.Thr137= (NM_001256573.2).
Identifiers: ClinVar variation 3027137 (VCV003027137.22), dbSNP rs1415726239, ClinGen allele CA511338840.

ClinVar aggregate classification (germline): Uncertain significance (1 of 4 stars; one submission).

Submission:

CeGaT Center for Human Genetics Tuebingen
Classification: Uncertain significance. Last evaluated: 2024-02-01. Review status: criteria provided, single submitter. Criteria: CeGaT Center For Human Genetics Tuebingen Variant Classification Criteria Version 2. Collection method: clinical testing. Allele origin: germline. Affected: yes. Observed: 1 variant allele.
Comment: CHRNA4: PM2:Supporting, BP4